The following is an entry in ClinVar:

NM_001160372.4(TRAPPC9):c.1929C>G (p.Tyr643Ter)

Gene: TRAPPC9 (trafficking protein particle complex subunit 9; minus strand). Cytogenetic location: 8q24.3.
Variant type: single nucleotide variant.
Coding change: c.1929C>G on transcript NM_001160372.4 (MANE Select); coding-DNA position 1929, C replaced by G.
Protein change: p.Tyr643Ter; replaces tyrosine 643 with a stop codon.
Molecular consequence: nonsense. On other transcripts: non-coding transcript variant (1).
Genome position (GRCh38, 1-based): chr8:140,287,660, G>C on the plus strand (C>G on the coding strand, the complement: TRAPPC9 is on the minus strand). VCF-style: chr8-140287660-G-C. GRCh37 (hg19) VCF-style: chr8-141297759-G-C.
Other names: c.1902C>G, p.Tyr634Ter (NM_001321646.2); c.1950C>G, p.Tyr650Ter (NM_001374682.1); c.1929C>G, p.Tyr643Ter (NM_001374683.1, NM_031466.8); c.1785C>G, p.Tyr595Ter (NM_001374684.1); short protein forms Y643*, Y634*, Y650*, Y595*.
Identifiers: ClinVar variation 1368892 (VCV001368892.6), dbSNP rs753641201, ClinGen allele CA4893270.

ClinVar aggregate classification (germline): Pathogenic (1 of 4 stars; one submission).

Allele frequency attached by ClinVar (database versions not stated): gnomAD exomes below 0.00001 and 0.00001; ExAC 0.00001; TOPMed 0.00002.
gnomAD v4.1: 6 of 1,614,162 alleles (0.00037%); highest among the groups gnomAD compares: Admixed American, 0.0033%; no homozygotes.

Submission:

Labcorp Genetics (formerly Invitae), Labcorp
Classification: Pathogenic. Last evaluated: 2025-10-15. Review status: criteria provided, single submitter. Criteria: Invitae Variant Classification Sherloc (09022015). Collection method: clinical testing. Allele origin: germline.
Comment: This sequence change creates a premature translational stop signal (p.Tyr741*) in the TRAPPC9 gene. It is expected to result in an absent or disrupted protein product. Loss-of-function variants in TRAPPC9 are known to be pathogenic (PMID: 2000476, 20004763, 20004764). This variant is present in population databases (rs753641201, gnomAD 0.003%). This variant has not been reported in the literature in individuals affected with TRAPPC9-related conditions. ClinVar contains an entry for this variant (Variation ID: 1368892). For these reasons, this variant has been classified as Pathogenic.

Literature cited by the submitters: PubMed 2000476; PubMed 20004763; PubMed 20004764.